The following is an entry in ClinVar:

ClinVar aggregate classification (germline): Benign. Review status: criteria provided, multiple submitters, no conflicts (2 of 4 stars). 5 submissions from 5 submitters: Benign (5). Last evaluated 2026-02-04.

Conditions:
Interstitial lung disease due to ABCA3 deficiency. Also called: PULMONARY ALVEOLAR PROTEINOSIS, CONGENITAL, 3. Identifiers: Orphanet 440402, MedGen C1970456, MONDO:0012582, OMIM 610921.

Allele frequency attached by ClinVar (database versions not stated): ExAC 0.01104; gnomAD 0.02214; ESP Exome Variant Server 0.02294; 1000 Genomes Project 0.02296; TOPMed 0.02525; 1000 Genomes Project 30x 0.02561.
gnomAD v4.1: 7,219 of 1,548,062 alleles (0.47%); highest among the groups gnomAD compares: African/African-American, 7.8%; 259 homozygotes.

Submissions (5):

Labcorp Genetics (formerly Invitae), Labcorp
Classification: Benign. Last evaluated: 2026-02-04. Review status: criteria provided, single submitter. Criteria: Invitae Variant Classification Sherloc (09022015). Collection method: clinical testing. Allele origin: germline.

GeneDx
Classification: Benign. Last evaluated: 2018-05-31. Review status: criteria provided, single submitter. Criteria: GeneDx Variant Classification (06012015). Collection method: clinical testing. Allele origin: germline. Affected: yes.
Comment: This variant is considered likely benign or benign based on one or more of the following criteria: it is a conservative change, it occurs at a poorly conserved position in the protein, it is predicted to be benign by multiple in silico algorithms, and/or has population frequency not consistent with disease.

Illumina Laboratory Services, Illumina
Classification: Benign for Interstitial lung disease due to ABCA3 deficiency. Last evaluated: 2018-01-13. Review status: criteria provided, single submitter. Criteria: ICSL Variant Classification Criteria 13 December 2019. Collection method: clinical testing. Allele origin: germline.
Comment: This variant was observed in the ICSL laboratory as part of a predisposition screen in an ostensibly healthy population. It had not been previously curated by ICSL or reported in the Human Gene Mutation Database (HGMD: prior to June 1st, 2018), and was therefore a candidate for classification through an automated scoring system. Utilizing variant allele frequency, disease prevalence and penetrance estimates, and inheritance mode, an automated score was calculated to assess if this variant is too frequent to cause the disease. Based on the score and internal cut-off values, a variant classified as benign is not then subjected to further curation. The score for this variant resulted in a classification of benign for this disease.

Laboratory for Molecular Medicine, Mass General Brigham Personalized Medicine
Classification: Benign. Last evaluated: 2013-02-21. Review status: criteria provided, single submitter. Criteria: LMM Criteria. Collection method: clinical testing. Allele origin: germline. Observed: 2 variant alleles.
Comment: 2514-8C>T in intron 19 of ABCA3: This variant is not expected to have clinical s ignificance because it has been identified in 6.5% (280/4282) of African America n chromosomes from a broad population by the NHLBI Exome Sequencing Project (dbSNP rs45502600).

Breakthrough Genomics
Classification: Benign. Review status: criteria provided, single submitter. Criteria: ACMG Guidelines, 2015. Collection method: not provided. Allele origin: germline. Inheritance: Autosomal recessive inheritance. Affected: yes.

NM_001089.3(ABCA3):c.2514-8C>T

Gene: ABCA3 (ATP binding cassette subfamily A member 3; minus strand). Cytogenetic location: 16p13.3.
Variant type: single nucleotide variant.
Coding change: c.2514-8C>T on transcript NM_001089.3 (MANE Select); 8 bases into the intron before coding-DNA position 2514, C replaced by T.
Molecular consequence: intron variant.
Genome position (GRCh38, 1-based): chr16:2,289,628, G>A on the plus strand (C>T on the coding strand, the complement: ABCA3 is on the minus strand). VCF-style: chr16-2289628-G-A. GRCh37 (hg19) VCF-style: chr16-2339629-G-A.
Identifiers: ClinVar variation 226452 (VCV000226452.17), dbSNP rs45502600, ClinGen allele CA7840783.